The following is an entry in ClinVar:

ClinVar aggregate classification (germline): Pathogenic/Likely pathogenic. Review status: criteria provided, multiple submitters, no conflicts (2 of 4 stars). 5 submissions from 5 submitters: Pathogenic (2); Likely pathogenic (2). 1 of the submissions does not count toward it. Last evaluated 2023-08-28.

Conditions:
Steroid-resistant nephrotic syndrome. Identifiers: MedGen C0403397, MONDO:0044765, HP:0012588.
Nephrotic syndrome, type 2 (NPHS2). Also called: NEPHROTIC SYNDROME, STEROID-RESISTANT, AUTOSOMAL RECESSIVE. Identifiers: Orphanet 656, MedGen C1868672, MONDO:0010974, OMIM 600995.

Submissions (5):

GeneDx
Classification: Likely pathogenic. Last evaluated: 2023-08-28. Review status: criteria provided, single submitter. Criteria: GeneDx Variant Classification Process June 2021. Collection method: clinical testing. Allele origin: germline. Affected: yes.
Comment: Published functional studies suggest a damaging effect due to intracellular retention and mislocalization of the resulting protein when expressed in the absence of wild-type protein (Straner et al., 2018); Not observed at significant frequency in large population cohorts (gnomAD); Frameshift variant predicted to result in protein truncation as the last 40 amino acids are replaced with 3 different amino acids, and other loss-of-function variants have been reported downstream in HGMD; This variant is associated with the following publications: (PMID: 23645318, 23515051, 28780565, 23349334, 17371932, 29660491, 35971028)

Genome-Nilou Lab
Classification: Likely pathogenic for Nephrotic syndrome, type 2. Last evaluated: 2023-04-11. Review status: criteria provided, single submitter. Criteria: ACMG Guidelines, 2015. Collection method: clinical testing. Allele origin: germline. Affected: no.

Fulgent Genetics
Classification: Pathogenic for Nephrotic syndrome, type 2. Last evaluated: 2021-12-17. Review status: criteria provided, single submitter. Criteria: ACMG Guidelines, 2015. Collection method: clinical testing. Allele origin: unknown.

Labcorp Genetics (formerly Invitae), Labcorp
Classification: Pathogenic. Last evaluated: 2021-08-04. Review status: criteria provided, single submitter. Criteria: Invitae Variant Classification Sherloc (09022015). Collection method: clinical testing. Allele origin: germline.
Comment: This variant is also known as c.1030+1031delT (F343fsX347). For these reasons, this variant has been classified as Pathogenic. This variant disrupts a region of the NPHS2 protein in which other variant(s) (p.Val370Gly) have been observed in individuals with NPHS2-related conditions (PMID: 17899208). This suggests that this is a clinically significant region of the protein, and that variants that disrupt it are likely to be disease-causing. This variant has been shown to alter NPHS2 (podocin) protein function, resulting in podocin mislocalization when in combination with p.Arg229Gln-podocin (PMID: 29660491). Algorithms developed to predict the effect of variants on protein structure and function are not available or were not evaluated for this variant. ClinVar contains an entry for this variant (Variation ID: 1068472). This premature translational stop signal has been observed in individual(s) with clinical features of steroid resistant nephrotic syndrome (PMID: 17371932, 23349334, 23515051, 23645318, 28780565). In at least one individual the data is consistent with the variant being in trans (on the opposite chromosome) from a pathogenic variant. It has been reported in trans with the variant p.Arg229Gln in related affected individuals. This suggests that the combination of p.Arg229Gln and this variant may be clinically significant. This variant is not present in population databases (ExAC no frequency). This sequence change creates a premature translational stop signal (p.Phe344Leufs*4) in the NPHS2 gene. While this is not anticipated to result in nonsense mediated decay, it is expected to disrupt the last 40 amino acid(s) of the NPHS2 protein.

Natera, Inc.
Classification: Pathogenic for Steroid-resistant nephrotic syndrome. Last evaluated: 2020-12-27. Review status: no assertion criteria provided. Collection method: clinical testing. Allele origin: germline. Not counted in ClinVar's aggregate classification.

Literature cited by the submitters: PubMed 17899208 (cited by Labcorp Genetics (formerly Invitae), Labcorp); PubMed 29660491 (cited by Labcorp Genetics (formerly Invitae), Labcorp); PubMed 17371932 (cited by Labcorp Genetics (formerly Invitae), Labcorp); PubMed 23349334 (cited by Labcorp Genetics (formerly Invitae), Labcorp); PubMed 23515051 (cited by Labcorp Genetics (formerly Invitae), Labcorp); PubMed 23645318 (cited by Labcorp Genetics (formerly Invitae), Labcorp); PubMed 28780565 (cited by Labcorp Genetics (formerly Invitae), Labcorp).

NM_014625.4(NPHS2):c.1032del (p.Phe344fs)

Genes: AXDND1 (axonemal dynein light chain domain containing 1; plus strand), NPHS2 (NPHS2 stomatin family member, podocin; minus strand). Cytogenetic location: 1q25.2.
Variant type: Deletion.
Coding change: c.1032del on transcript NM_014625.4 (MANE Select); coding-DNA position 1032, one base deleted (T; older notation c.1032delT).
Protein change: p.Phe344fs; shifts the reading frame from phenylalanine 344.
Molecular consequence: frameshift variant. On other transcripts: intron variant (1).
Genome position (GRCh38, 1-based): chr1:179,551,293, A deleted on the plus strand (T on the coding strand, the reverse complement: NPHS2 is on the minus strand); the first of 3 consecutive A bases (chr1:179,551,293-179,551,295); deleting any one gives the same sequence. VCF-style (leftmost placement, unchanged base first): chr1-179551292-CA-C. GRCh37 (hg19) VCF-style: chr1-179520427-CA-C.
Other names: c.828del, p.Phe276fs (NM_001297575.2); c.3032-3217del (NM_144696.6); c.1032del (NM_014625.3); short protein forms F276fs, F344fs.
Identifiers: ClinVar variation 1068472 (VCV001068472.9), dbSNP rs1673229720, ClinGen allele CA1009657311.